The following is an entry in ClinVar:

ClinVar aggregate classification (germline): Uncertain significance (1 of 4 stars; one submission).

Allele frequency attached by ClinVar (database versions not stated): gnomAD exomes below 0.00001 and 0.00001; TOPMed 0.00001; ExAC 0.00002; gnomAD 0.00002 and 0.00003; ESP Exome Variant Server 0.00008.

Submission:

Labcorp Genetics (formerly Invitae), Labcorp
Classification: Uncertain significance. Last evaluated: 2023-10-22. Review status: criteria provided, single submitter. Criteria: Invitae Variant Classification Sherloc (09022015). Collection method: clinical testing. Allele origin: germline.
Comment: This sequence change replaces methionine, which is neutral and non-polar, with threonine, which is neutral and polar, at codon 1084 of the SON protein (p.Met1084Thr). This variant is present in population databases (rs375884159, gnomAD 0.004%). This variant has not been reported in the literature in individuals affected with SON-related conditions. ClinVar contains an entry for this variant (Variation ID: 1389795). An algorithm developed to predict the effect of missense changes on protein structure and function (PolyPhen-2) suggests that this variant is likely to be disruptive. In summary, the available evidence is currently insufficient to determine the role of this variant in disease. Therefore, it has been classified as a Variant of Uncertain Significance.

NM_138927.4(SON):c.3251T>C (p.Met1084Thr)

Gene: SON (SON DNA and RNA binding protein; plus strand). Cytogenetic location: 21q22.11.
Variant type: single nucleotide variant.
Coding change: c.3251T>C on transcript NM_138927.4 (MANE Select); coding-DNA position 3251, T replaced by C.
Protein change: p.Met1084Thr; replaces methionine 1084 with threonine.
Molecular consequence: missense variant. On other transcripts: non-coding transcript variant (1), intron variant (1).
Genome position (GRCh38, 1-based): chr21:33,552,482, T>C. VCF-style: chr21-33552482-T-C. GRCh37 (hg19) VCF-style: chr21-34924788-T-C.
Other names: c.3251T>C, p.Met1084Thr (NM_001291411.2, NM_032195.3); c.245-4674T>C (NM_001291412.3); short protein forms M1084T.
Identifiers: ClinVar variation 1389795 (VCV001389795.6), dbSNP rs375884159, ClinGen allele CA10009242.